The following is an entry in ClinVar:

ClinVar aggregate classification (germline): Conflicting classifications of pathogenicity. Review status: criteria provided, conflicting classifications (1 of 4 stars). 6 submissions from 4 submitters: Uncertain significance (3); Likely benign (3). Last evaluated 2025-09-20.

Conditions:
RYR1-related disorder. Also called: RYR1-related condition; RYR1-related disorders. Identifiers: MedGen CN239331.
Central core myopathy (CMYO1A). Also called: CONGENITAL MYOPATHY 1A, AUTOSOMAL DOMINANT, WITH SUSCEPTIBILITY TO MALIGNANT HYPERTHERMIA; Central core disease; Myopathy, central fibrillar. Identifiers: Orphanet 597, MedGen C5830701, MONDO:0007294, OMIM 117000.
Congenital multicore myopathy with external ophthalmoplegia (CMYO1B). Also called: Congenital myopathy 1B, autosomal recessive; Minicore myopathy; Minicore myopathy with external ophthalmoplegia; MULTICORE MYOPATHY; MULTIMINICORE DISEASE WITH EXTERNAL OPHTHALMOPLEGIA. Identifiers: Orphanet 598, Orphanet 98905, MedGen C1850674, MONDO:0009712, OMIM 255320, HP:0003789.
Malignant hyperthermia, susceptibility to, 1 (MHS1). Also called: Malignant hyperthermia suceptibility 1; RYR1-Related Malignant Hyperthermia Susceptibility; Anesthesia related hyperthermia; Malignant hyperpyrexia; Fulminating hyperpyrexia; Pharmacogenic myopathy. Identifiers: Orphanet 423, MedGen C2930980, MONDO:0007783, OMIM 145600.

Allele frequency attached by ClinVar (database versions not stated): gnomAD exomes below 0.00001 and 0.00001; gnomAD 0.00001; TOPMed 0.00002.
gnomAD v4.1: 8 of 1,552,286 alleles (0.00052%); highest among the groups gnomAD compares: East Asian, 0.012%; no homozygotes.

Submissions (6):

Labcorp Genetics (formerly Invitae), Labcorp
Classification: Likely benign for RYR1-related disorder. Last evaluated: 2025-09-20. Review status: criteria provided, single submitter. Criteria: Invitae Variant Classification Sherloc (09022015). Collection method: clinical testing. Allele origin: germline.

All of Us Research Program, National Institutes of Health
Classification: Likely benign for Malignant hyperthermia, susceptibility to, 1. Last evaluated: 2023-10-27. Review status: criteria provided, single submitter. Criteria: ACMG Guidelines, 2015. Collection method: clinical testing. Allele origin: germline. Inheritance: Autosomal dominant inheritance. Observed: 2 variant alleles, 2 heterozygotes.
Comment: This study involves interpretation of variants in research participants for the purpose of population health screening. Participant phenotype was not available at the time of variant classification. Additional details can be found in publication PMID: 35346344, PMCID: PMC8962531

Color Diagnostics, LLC DBA Color Health
Classification: Likely benign for Malignant hyperthermia, susceptibility to, 1. Last evaluated: 2022-11-06. Review status: criteria provided, single submitter. Criteria: ACMG Guidelines, 2015. Collection method: clinical testing. Allele origin: germline.

Illumina Laboratory Services, Illumina
Classification: Uncertain significance for Malignant hyperthermia, susceptibility to, 1. Last evaluated: 2018-01-13. Review status: criteria provided, single submitter. Criteria: ICSL Variant Classification Criteria 13 December 2019. Collection method: clinical testing. Allele origin: germline.

Illumina Laboratory Services, Illumina
Classification: Uncertain significance for Congenital multicore myopathy with external ophthalmoplegia. Last evaluated: 2018-01-13. Review status: criteria provided, single submitter. Criteria: ICSL Variant Classification Criteria 13 December 2019. Collection method: clinical testing. Allele origin: germline.

Illumina Laboratory Services, Illumina
Classification: Uncertain significance for Central core myopathy. Last evaluated: 2018-01-13. Review status: criteria provided, single submitter. Criteria: ICSL Variant Classification Criteria 13 December 2019. Collection method: clinical testing. Allele origin: germline.

NM_000540.3(RYR1):c.4056G>A (p.Ala1352=)

Gene: RYR1 (ryanodine receptor 1; plus strand). Cytogenetic location: 19q13.2.
Variant type: single nucleotide variant.
Coding change: c.4056G>A on transcript NM_000540.3 (MANE Select); coding-DNA position 4056, G replaced by A.
Protein change: p.Ala1352=; no amino-acid change (alanine 1352 retained).
Molecular consequence: synonymous variant.
Genome position (GRCh38, 1-based): chr19:38,473,667, G>A. VCF-style: chr19-38473667-G-A. GRCh37 (hg19) VCF-style: chr19-38964307-G-A.
Other names: c.4056G>A, p.Ala1352= (NM_001042723.2).
Identifiers: ClinVar variation 758642 (VCV000758642.14), dbSNP rs915321867, ClinGen allele CA308079786.